The following is an entry in ClinVar:

ClinVar aggregate classification (germline): Pathogenic (1 of 4 stars; one submission).

Conditions:
Marfan syndrome (MFS). Also called: MARFAN SYNDROME, TYPE I; Marfan syndrome type 1; Marfan's syndrome; Marfan syndrome, classic; FBN1-Related Marfan Syndrome. Identifiers: Orphanet 284963, Orphanet 558, MedGen C0024796, MONDO:0007947, OMIM 154700.
Familial thoracic aortic aneurysm and aortic dissection (TAAD). Also called: Thoracic aortic aneurysms and dissections. Identifiers: Orphanet 91387, MedGen C4707243, MONDO:0019625.

Submission:

Labcorp Genetics (formerly Invitae), Labcorp
Classification: Pathogenic for Marfan syndrome; Familial thoracic aortic aneurysm and aortic dissection. Last evaluated: 2023-11-03. Review status: criteria provided, single submitter. Criteria: Invitae Variant Classification Sherloc (09022015). Collection method: clinical testing. Allele origin: germline.
Comment: This sequence change affects an acceptor splice site in intron 30 of the FBN1 gene. It is expected to disrupt RNA splicing. Variants that disrupt the donor or acceptor splice site typically lead to a loss of protein function (PMID: 16199547), and loss-of-function variants in FBN1 are known to be pathogenic (PMID: 17657824, 19293843). This variant is not present in population databases (gnomAD no frequency). Disruption of this splice site has been observed in individual(s) with clinical features of Marfan syndrome (Invitae). In at least one individual the variant was observed to be de novo. ClinVar contains an entry for this variant (Variation ID: 1487328). Algorithms developed to predict the effect of sequence changes on RNA splicing suggest that this variant may disrupt the consensus splice site. For these reasons, this variant has been classified as Pathogenic.

Literature cited by the submitters: PubMed 16199547; PubMed 17657824; PubMed 19293843.

NM_000138.5(FBN1):c.3713-1G>T

Gene: FBN1 (fibrillin 1; minus strand). Cytogenetic location: 15q21.1.
Variant type: single nucleotide variant.
Coding change: c.3713-1G>T on transcript NM_000138.5 (MANE Select); the canonical splice acceptor site of the intron before coding-DNA position 3713, G replaced by T.
Molecular consequence: splice acceptor variant.
Genome position (GRCh38, 1-based): chr15:48,483,944, C>A on the plus strand (G>T on the coding strand, the complement: FBN1 is on the minus strand). VCF-style: chr15-48483944-C-A. GRCh37 (hg19) VCF-style: chr15-48776141-C-A.
Other names: c.3713-1G>T (NM_001406716.1).
Identifiers: ClinVar variation 1487328 (VCV001487328.8), dbSNP rs2141289776, ClinGen allele CA392324261.